The following is an entry in ClinVar:

ClinVar aggregate classification (germline): Pathogenic (1 of 4 stars; one submission).

Submission:

ISCA site 17
Classification: Pathogenic. Last evaluated: 2011-08-12. Review status: criteria provided, single submitter. Criteria: Kaminsky et al. (Genet Med. 2011). Collection method: clinical testing. Allele origin: unknown. Affected: yes. Observed: 1 variant allele.
Comment: Copy number variation identified through the course of routine clinical cytogenomic testing in postnatal populations. Clinical assertions have been curated as described in Kaminsky et al. 2011.

GRCh38/hg38 9p24.3-13.1(chr9:220253-38815419)x3

Genes: LRRC19 (leucine rich repeat containing 19; minus strand), LURAP1L (leucine rich adaptor protein 1 like; plus strand), LURAP1L-AS1 (LURAP1L antisense RNA 1; minus strand), MAHAC (maintenance of histone H4K5 acetylation associated lncRNA; plus strand), MELK (maternal embryonic leucine zipper kinase; plus strand) and 896 more. Cytogenetic location: 9p24.3-13.1.
Variant type: copy number gain.
Change: copy number 3 (three copies instead of two) of chr9:220,253-38,815,419 (38.60 Mb, GRCh38 coordinates, 1-based), cytogenetic band 9p24.3-13.1.
Identifiers: ClinVar variation 59876 (VCV000059876.1).